The following is an entry in ClinVar:

NM_001379270.1(CNGA1):c.978T>A (p.Asp326Glu)

Genes: CNGA1 (cyclic nucleotide gated channel subunit alpha 1; minus strand), LOC101927157 (uncharacterized LOC101927157; plus strand). Cytogenetic location: 4p12.
Variant type: single nucleotide variant.
Coding change: c.978T>A on transcript NM_001379270.1 (MANE Select); coding-DNA position 978, T replaced by A.
Protein change: p.Asp326Glu; replaces aspartic acid 326 with glutamic acid.
Molecular consequence: missense variant.
Genome position (GRCh38, 1-based): chr4:47,937,504, A>T on the plus strand (T>A on the coding strand, the complement: CNGA1 is on the minus strand). VCF-style: chr4-47937504-A-T. GRCh37 (hg19) VCF-style: chr4-47939521-A-T.
Other names: c.978T>A, p.Asp326Glu (NM_000087.5, NM_001142564.2); short protein forms D326E.
Identifiers: ClinVar variation 1710804 (VCV001710804.2), dbSNP rs2475751583, ClinGen allele CA356827705.

ClinVar aggregate classification (germline): Uncertain significance (1 of 4 stars; one submission).

Submission:

GeneDx
Classification: Uncertain significance. Last evaluated: 2022-04-12. Review status: criteria provided, single submitter. Criteria: GeneDx Variant Classification Process June 2021. Collection method: clinical testing. Allele origin: germline. Affected: yes.
Comment: Not observed at significant frequency in large population cohorts (gnomAD); In silico analysis supports that this missense variant has a deleterious effect on protein structure/function; Has not been previously published as pathogenic or benign to our knowledge